The following is an entry in ClinVar:

NM_003361.4(UMOD):c.1271C>T (p.Ala424Val)

Gene: UMOD (uromodulin; minus strand). Cytogenetic location: 16p12.3.
Variant type: single nucleotide variant.
Coding change: c.1271C>T on transcript NM_003361.4 (MANE Select); coding-DNA position 1271, C replaced by T.
Protein change: p.Ala424Val; replaces alanine 424 with valine.
Molecular consequence: missense variant. On other transcripts: non-coding transcript variant (1).
Genome position (GRCh38, 1-based): chr16:20,344,084, G>A on the plus strand (C>T on the coding strand, the complement: UMOD is on the minus strand). VCF-style: chr16-20344084-G-A. GRCh37 (hg19) VCF-style: chr16-20355406-G-A.
Other names: c.1271C>T, p.Ala424Val (NM_001008389.3, NM_001378232.1, NM_001378233.1 and 3 more transcripts); c.1370C>T, p.Ala457Val (NM_001278614.2); short protein forms A424V, A457V.
Identifiers: ClinVar variation 3348672 (VCV003348672.2).
Genomic context (GRCh38, chr16:20,344,084, plus strand): 5'-CTGACCATTGGCTGTAGGGCGGTCTTCAGGCTGACTTTCATGTCCAGGGGGTAGGAGCAT[G>A]CAAAGTTGATTTTGATGTTGAGGTCACGGATGATGATCTCATCTGCCAGGTAGAGGGTGT-3'
Protein context (NP_003352.2, residues 414-434): IRDLNIKINF[Ala424Val]CSYPLDMKVS

ClinVar aggregate classification (germline): Uncertain significance. Review status: criteria provided, single submitter (1 of 4 stars). 2 submissions from 2 submitters: Uncertain significance (1). 1 of the submissions does not count toward it. Last evaluated 2024-06-10.

Conditions:
UMOD-related disorder. Also called: UMOD-related condition.
Familial juvenile hyperuricemic nephropathy type 1 (ADTKD1). Also called: UMOD-Associated Kidney Disease; Uromodulin-associated kidney disease; Glomerulocystic kidney disease with hyperuricemia and isosthenuria; Medullary cystic kidney disease 2; Autosomal Dominant Tubulointerstitial Kidney Disease – UMOD. Identifiers: Orphanet 209886, Orphanet 34149, Orphanet 88950, MedGen C4551496, MONDO:0008073, OMIM 162000.

gnomAD v4.1: 3 of 1,613,736 alleles (0.00019%); highest among the groups gnomAD compares: African/African-American, 0.004%; no homozygotes.

Submissions (2):

Fulgent Genetics
Classification: Uncertain significance for Familial juvenile hyperuricemic nephropathy type 1. Last evaluated: 2024-06-10. Review status: criteria provided, single submitter. Criteria: ACMG Guidelines, 2015. Collection method: clinical testing. Allele origin: germline.

PreventionGenetics, part of Exact Sciences
Classification: Uncertain significance for UMOD-related condition. Last evaluated: 2024-08-26. Review status: no assertion criteria provided. Collection method: clinical testing. Allele origin: germline. Not counted in ClinVar's aggregate classification.
Comment: The UMOD c.1271C>T variant is predicted to result in the amino acid substitution p.Ala424Val. To our knowledge, this variant has not been reported in the literature. This variant is reported in 0.0062% of alleles in individuals of African descent in gnomAD. At this time, the clinical significance of this variant is uncertain due to the absence of conclusive functional and genetic evidence.